The following is an entry in ClinVar:

NM_000368.5(TSC1):c.1226T>C (p.Ile409Thr)

Gene: TSC1 (TSC complex subunit 1; minus strand). Cytogenetic location: 9q34.13.
Variant type: single nucleotide variant.
Coding change: c.1226T>C on transcript NM_000368.5 (MANE Select); coding-DNA position 1226, T replaced by C.
Protein change: p.Ile409Thr; replaces isoleucine 409 with threonine.
Molecular consequence: missense variant.
Genome position (GRCh38, 1-based): chr9:132,910,608, A>G on the plus strand (T>C on the coding strand, the complement: TSC1 is on the minus strand). VCF-style: chr9-132910608-A-G. GRCh37 (hg19) VCF-style: chr9-135785995-A-G.
Other names: c.1223T>C, p.Ile408Thr (NM_001162426.2); c.1073T>C, p.Ile358Thr (NM_001162427.2); c.863T>C, p.Ile288Thr (NM_001362177.2); short protein forms I288T, I408T, I409T, I358T.
Identifiers: ClinVar variation 1368573 (VCV001368573.8), dbSNP rs1474143751, ClinGen allele CA375366860.
Genomic context (GRCh38, chr9:132,910,608, plus strand): 5'-ATAGCAGACGAGCTGGATCGCACCTTCCTGGGGGGTGTGACTGTGGCCTGGGGGAGTGAA[A>G]TGTGCACGTAGTCATCCGAATGACAGAGTGGGGCTGGAGGAGGAGAGGTTGCTGGGGTTC-3'
Protein context (NP_000359.1, residues 399-419): PLCHSDDYVH[Ile409Thr]SLPQATVTPP

ClinVar aggregate classification (germline): Uncertain significance (1 of 4 stars; one submission).

Conditions:
Tuberous sclerosis 1 (TSC1). Identifiers: Orphanet 805, MedGen C1854465, MONDO:0008612, OMIM 191100.

Allele frequency attached by ClinVar (database versions not stated): gnomAD exomes below 0.00001.
gnomAD v4.1: 1 of 1,614,074 alleles (0.000062%); highest among the groups gnomAD compares: Non-Finnish European, 0.000085%; no homozygotes.

Submission:

Labcorp Genetics (formerly Invitae), Labcorp
Classification: Uncertain significance for Tuberous sclerosis 1. Last evaluated: 2021-07-19. Review status: criteria provided, single submitter. Criteria: Invitae Variant Classification Sherloc (09022015). Collection method: clinical testing. Allele origin: germline.
Comment: This sequence change replaces isoleucine with threonine at codon 409 of the TSC1 protein (p.Ile409Thr). The isoleucine residue is weakly conserved and there is a moderate physicochemical difference between isoleucine and threonine. This variant is not present in population databases (ExAC no frequency). This variant has not been reported in the literature in individuals affected with TSC1-related conditions. Algorithms developed to predict the effect of missense changes on protein structure and function (SIFT, PolyPhen-2, Align-GVGD) all suggest that this variant is likely to be tolerated. In summary, the available evidence is currently insufficient to determine the role of this variant in disease. Therefore, it has been classified as a Variant of Uncertain Significance.